The following is an entry in ClinVar:

NM_000130.5(F5):c.2105C>T (p.Thr702Ile)

Gene: F5 (coagulation factor V; minus strand). Cytogenetic location: 1q24.2.
Variant type: single nucleotide variant.
Coding change: c.2105C>T on transcript NM_000130.5 (MANE Select); coding-DNA position 2105, C replaced by T.
Protein change: p.Thr702Ile; replaces threonine 702 with isoleucine.
Molecular consequence: missense variant.
Genome position (GRCh38, 1-based): chr1:169,542,985, G>A on the plus strand (C>T on the coding strand, the complement: F5 is on the minus strand). VCF-style: chr1-169542985-G-A. GRCh37 (hg19) VCF-style: chr1-169512223-G-A.
Other names: p.Thr702Ile; short protein forms T702I.
Identifiers: ClinVar variation 783954 (VCV000783954.9), dbSNP rs78958618, ClinGen allele CA1234149.

ClinVar aggregate classification (germline): Benign. Review status: criteria provided, multiple submitters, no conflicts (2 of 4 stars). 3 submissions from 3 submitters: Benign (3). Last evaluated 2026-01-15.

Conditions:
Congenital factor V deficiency. Also called: OWREN PARAHEMOPHILIA; PARAHEMOPHILIA; Hereditary factor V deficiency disease; LABILE FACTOR DEFICIENCY. Identifiers: Orphanet 326, MedGen C0015499, MONDO:0009210, OMIM 227400.

Allele frequency attached by ClinVar (database versions not stated): gnomAD exomes 0.00092 and 0.00256; ExAC 0.00325; 1000 Genomes Project 0.01038; gnomAD 0.01045 and 0.01131; ESP Exome Variant Server 0.01084; TOPMed 0.01144; 1000 Genomes Project 30x 0.01156.
gnomAD v4.1: 2,973 of 1,614,038 alleles (0.18%); highest among the groups gnomAD compares: African/African-American, 3.6%; 50 homozygotes.

Submissions (3):

Labcorp Genetics (formerly Invitae), Labcorp
Classification: Benign for Congenital factor V deficiency. Last evaluated: 2026-01-15. Review status: criteria provided, single submitter. Criteria: Invitae Variant Classification Sherloc (09022015). Collection method: clinical testing. Allele origin: germline.

Mayo Clinic Laboratories, Mayo Clinic
Classification: Benign. Last evaluated: 2024-08-14. Review status: criteria provided, single submitter. Criteria: ACMG Guidelines, 2015. Collection method: clinical testing. Allele origin: germline. Observed: 2 variant alleles.
Comment: BS1, BS2

Breakthrough Genomics
Classification: Benign. Review status: criteria provided, single submitter. Criteria: ACMG Guidelines, 2015. Collection method: not provided. Allele origin: germline. Inheritance: Multifactorial inheritance. Affected: yes.